The following is an entry in ClinVar:

ClinVar aggregate classification (germline): Conflicting classifications of pathogenicity. Review status: criteria provided, conflicting classifications (1 of 4 stars). 2 submissions from 2 submitters: Uncertain significance (1); Benign (1). Last evaluated 2025-08-22.

Allele frequency attached by ClinVar (database versions not stated): gnomAD 0.00013; ESP Exome Variant Server 0.00016; 1000 Genomes Project 30x 0.00078; 1000 Genomes Project 0.00100.
gnomAD v4.1: 252 of 1,612,376 alleles (0.016%); highest among the groups gnomAD compares: South Asian, 0.2%; 2 homozygotes.

Submissions (2):

Ambry Genetics
Classification: Uncertain significance. Last evaluated: 2025-08-22. Review status: criteria provided, single submitter. Criteria: Ambry Variant Classification Scheme 2023. Collection method: clinical testing. Allele origin: germline.

CeGaT Center for Human Genetics Tuebingen
Classification: Benign. Last evaluated: 2023-08-01. Review status: criteria provided, single submitter. Criteria: CeGaT Center For Human Genetics Tuebingen Variant Classification Criteria Version 2. Collection method: clinical testing. Allele origin: germline. Affected: yes. Observed: 3 variant alleles.
Comment: AHNAK2: BS1, BS2

NM_138420.4(AHNAK2):c.9925A>G (p.Lys3309Glu)

Gene: AHNAK2 (AHNAK nucleoprotein 2; minus strand). Cytogenetic location: 14q32.33.
Variant type: single nucleotide variant.
Coding change: c.9925A>G on transcript NM_138420.4 (MANE Select); coding-DNA position 9925, A replaced by G.
Protein change: p.Lys3309Glu; replaces lysine 3309 with glutamic acid.
Molecular consequence: missense variant.
Genome position (GRCh38, 1-based): chr14:104,945,526, T>C on the plus strand (A>G on the coding strand, the complement: AHNAK2 is on the minus strand). VCF-style: chr14-104945526-T-C. GRCh37 (hg19) VCF-style: chr14-105411863-T-C.
Other names: c.9925A>G (NM_138420.2); c.9625A>G, p.Lys3209Glu (NM_001350929.2); short protein forms K3209E, K3309E.
Identifiers: ClinVar variation 2644681 (VCV002644681.25), dbSNP rs200742411, ClinGen allele CA7379386.